The following is an entry in ClinVar:

NM_018117.12(WDR11):c.1616A>C (p.Asn539Thr)

Gene: WDR11 (WD repeat domain 11; plus strand). Cytogenetic location: 10q26.12.
Variant type: single nucleotide variant.
Coding change: c.1616A>C on transcript NM_018117.12 (MANE Select); coding-DNA position 1616, A replaced by C.
Protein change: p.Asn539Thr; replaces asparagine 539 with threonine.
Molecular consequence: missense variant.
Genome position (GRCh38, 1-based): chr10:120,878,412, A>C. VCF-style: chr10-120878412-A-C. GRCh37 (hg19) VCF-style: chr10-122637924-A-C.
Other names: short protein forms N539T.
Identifiers: ClinVar variation 4535572 (VCV004535572.1).
Genomic context (GRCh38, chr10:120,878,412, plus strand): 5'-GGGGTATTGAATGGACAAGTTTGACTAGTTTTCTTTCTTTTGCTACCTCAACACCAAACA[A>C]TATGGGATTAGTGAGAAATGAACTTCAACTGGTTGATCTTCCAACAGGTTTGTTTTTAAA-3'
Protein context (NP_060587.8, residues 529-549): FLSFATSTPN[Asn539Thr]MGLVRNELQL

ClinVar aggregate classification (germline): Uncertain significance (1 of 4 stars; one submission).

gnomAD v4.1: 1 of 1,613,322 alleles (0.000062%); highest among the groups gnomAD compares: Non-Finnish European, 0.000085%; no homozygotes.

Submission:

Women's Health and Genetics/Laboratory Corporation of America, LabCorp
Classification: Uncertain significance. Last evaluated: 2025-09-12. Review status: criteria provided, single submitter. Criteria: LabCorp Variant Classification Summary - May 2015. Collection method: clinical testing. Allele origin: germline.
Comment: Variant summary: WDR11 c.1616A>C (p.Asn539Thr) results in a non-conservative amino acid change in the encoded protein sequence. Algorithms developed to predict the effect of missense changes on protein structure and function are either unavailable or do not agree on the potential impact of this missense change. The variant was absent in 251204 control chromosomes. The available data on variant occurrences in the general population are insufficient to allow any conclusion about variant significance. To our knowledge, no occurrence of c.1616A>C in individuals affected with WDR11-related conditions and no experimental evidence demonstrating its impact on protein function have been reported. No submitters have cited clinical-significance assessments for this variant to ClinVar. Based on the evidence outlined above, the variant was classified as uncertain significance.